The following is an entry in ClinVar:

ClinVar aggregate classification (germline): Conflicting classifications of pathogenicity. Review status: criteria provided, conflicting classifications (1 of 4 stars). 2 submissions from 2 submitters: Uncertain significance (1); Likely benign (1). Last evaluated 2025-12-22.

Conditions:
MYO5B-related disorder. Also called: MYO5B-related condition.
Congenital microvillous atrophy (DIAR2). Also called: Diarrhea 2 with microvillus atrophy, with or without cholestasis; Microvillus inclusion disease; CONGENITAL FAMILIAL PROTRACTED DIARRHEA WITH ENTEROCYTE BRUSH-BORDER ABNORMALITIES; DAVIDSON DISEASE; MICROVILLUS ATROPHY, CONGENITAL. Identifiers: Orphanet 2290, MedGen C0341306, MONDO:0009635, OMIM 251850.

Allele frequency attached by ClinVar (database versions not stated): TOPMed below 0.00001.

Submissions (2):

PreventionGenetics, part of Exact Sciences
Classification: Likely benign for MYO5B-related condition. Last evaluated: 2025-12-22. Review status: criteria provided, single submitter. Criteria: ACMG Guidelines, 2015. Collection method: clinical testing. Allele origin: germline.
Comment: This variant is classified as likely benign based on ACMG/AMP sequence variant interpretation guidelines (Richards et al. 2015 PMID: 25741868, with internal and published modifications).

Illumina Laboratory Services, Illumina
Classification: Uncertain significance for Congenital microvillous atrophy. Last evaluated: 2018-01-13. Review status: criteria provided, single submitter. Criteria: ICSL Variant Classification Criteria 13 December 2019. Collection method: clinical testing. Allele origin: germline.

NM_001080467.3(MYO5B):c.3468G>A (p.Leu1156=)

Gene: MYO5B (myosin VB; minus strand). Cytogenetic location: 18q21.1.
Variant type: single nucleotide variant.
Coding change: c.3468G>A on transcript NM_001080467.3 (MANE Select); coding-DNA position 3468, G replaced by A.
Protein change: p.Leu1156=; no amino-acid change (leucine 1156 retained).
Molecular consequence: synonymous variant.
Genome position (GRCh38, 1-based): chr18:49,875,756, C>T on the plus strand (G>A on the coding strand, the complement: MYO5B is on the minus strand). VCF-style: chr18-49875756-C-T. GRCh37 (hg19) VCF-style: chr18-47402126-C-T.
Identifiers: ClinVar variation 889734 (VCV000889734.5), dbSNP rs1193229060, ClinGen allele CA503860758.